The following is an entry in ClinVar:

NM_198506.5(LRIT3):c.532C>T (p.His178Tyr)

Gene: LRIT3 (leucine rich repeat, Ig-like and transmembrane domains 3; plus strand). Cytogenetic location: 4q25.
Variant type: single nucleotide variant.
Coding change: c.532C>T on transcript NM_198506.5 (MANE Select); coding-DNA position 532, C replaced by T.
Protein change: p.His178Tyr; replaces histidine 178 with tyrosine.
Molecular consequence: missense variant.
Genome position (GRCh38, 1-based): chr4:109,851,919, C>T. VCF-style: chr4-109851919-C-T. GRCh37 (hg19) VCF-style: chr4-110773075-C-T.
Other names: short protein forms H178Y.
Identifiers: ClinVar variation 1907995 (VCV001907995.4), dbSNP rs1313777171, ClinGen allele CA357872386.
Genomic context (GRCh38, chr4:109,851,919, plus strand): 5'-TTGGATTTATCAAGCAACAGACTCACCACATTGCCACCAGATTTCCTGGAGAGCTGGACT[C>T]ATTTAGTTTCAACACCTTCTGGAGTCCTGGACCTTTCCCCAAGCAGGATTATTCTTGGTA-3'
Protein context (NP_940908.3, residues 168-188): LPPDFLESWT[His178Tyr]LVSTPSGVLD

ClinVar aggregate classification (germline): Uncertain significance (1 of 4 stars; one submission).

Allele frequency attached by ClinVar (database versions not stated): gnomAD exomes below 0.00001.

Submission:

Labcorp Genetics (formerly Invitae), Labcorp
Classification: Uncertain significance. Last evaluated: 2022-03-20. Review status: criteria provided, single submitter. Criteria: Invitae Variant Classification Sherloc (09022015). Collection method: clinical testing. Allele origin: germline.
Comment: This sequence change replaces histidine, which is basic and polar, with tyrosine, which is neutral and polar, at codon 178 of the LRIT3 protein (p.His178Tyr). This variant is not present in population databases (gnomAD no frequency). This variant has not been reported in the literature in individuals affected with LRIT3-related conditions. Algorithms developed to predict the effect of missense changes on protein structure and function are either unavailable or do not agree on the potential impact of this missense change (SIFT: "Tolerated"; PolyPhen-2: "Possibly Damaging"; Align-GVGD: "Class C0"). In summary, the available evidence is currently insufficient to determine the role of this variant in disease. Therefore, it has been classified as a Variant of Uncertain Significance.